The following is an entry in ClinVar:

ClinVar aggregate classification (germline): Conflicting classifications of pathogenicity. Review status: criteria provided, conflicting classifications (1 of 4 stars). 5 submissions from 5 submitters: Uncertain significance (2); Likely benign (3). Last evaluated 2025-11-13.

Conditions:
Naxos disease (NXD). Also called: WOOLLY HAIR, PALMOPLANTAR KERATODERMA, AND CARDIAC ABNORMALITIES; CARDIOMYOPATHY, ARRHYTHMOGENIC RIGHT VENTRICULAR, WITH SKIN, HAIR, AND NAIL ABNORMALITIES; KERATOSIS PALMOPLANTARIS WITH ARRHYTHMOGENIC CARDIOMYOPATHY; MAL DE NAXOS; PALMOPLANTAR KERATODERMA WITH ARRHYTHMOGENIC RIGHT VENTRICULAR CARDIOMYOPATHY AND WOOLLY HAIR. Identifiers: Orphanet 34217, MedGen C1832600, MONDO:0011017, OMIM 601214.
Arrhythmogenic right ventricular dysplasia 12. Also called: ARRHYTHMOGENIC RIGHT VENTRICULAR DYSPLASIA, FAMILIAL, 12. Identifiers: MedGen C1969081, MONDO:0012684, OMIM 611528.
Cardiovascular phenotype. Identifiers: MedGen CN230736.

Allele frequency attached by ClinVar (database versions not stated): gnomAD exomes 0.00003; TOPMed 0.00004; ESP Exome Variant Server 0.00008; ExAC 0.00009.
gnomAD v4.1: 38 of 1,606,404 alleles (0.0024%); highest among the groups gnomAD compares: Admixed American, 0.048%; no homozygotes.

Submissions (5):

Labcorp Genetics (formerly Invitae), Labcorp
Classification: Uncertain significance for Arrhythmogenic right ventricular dysplasia 12; Naxos disease. Last evaluated: 2025-11-13. Review status: criteria provided, single submitter. Criteria: Invitae Variant Classification Sherloc (09022015). Collection method: clinical testing. Allele origin: germline.
Comment: This sequence change replaces arginine, which is basic and polar, with histidine, which is basic and polar, at codon 540 of the JUP protein (p.Arg540His). This variant is present in population databases (rs376881608, gnomAD 0.07%). This variant has not been reported in the literature in individuals affected with JUP-related conditions. ClinVar contains an entry for this variant (Variation ID: 917779). An algorithm developed to predict the effect of missense changes on protein structure and function (PolyPhen-2) suggests that this variant is likely to be disruptive. In summary, the available evidence is currently insufficient to determine the role of this variant in disease. Therefore, it has been classified as a Variant of Uncertain Significance.

ARUP Laboratories, Molecular Genetics and Genomics, ARUP Laboratories
Classification: Uncertain significance. Last evaluated: 2025-07-23. Review status: criteria provided, single submitter. Criteria: ARUP Molecular Germline Variant Investigation Process 2024. Collection method: clinical testing. Allele origin: germline.
Comment: The JUP c.1619G>A; p.Arg540His variant (rs376881608), to our knowledge, is not reported in the medical literature but is reported in ClinVar (Variation ID: 917779). This variant is found primarily in the African/African-American population with an allele frequency of 0.07% (24/32,770 alleles) in the Genome Aggregation Database (v2.1.1). Computational analyses are uncertain whether this variant is neutral or deleterious (REVEL: 0.373). Due to limited information, the clinical significance of this variant is uncertain at this time.

Blueprint Genetics
Classification: Likely benign. Last evaluated: 2024-06-14. Review status: criteria provided, single submitter. Criteria: ACMG Guidelines, 2015. Collection method: clinical testing. Allele origin: germline.

Ambry Genetics
Classification: Likely benign for Cardiovascular phenotype. Last evaluated: 2023-10-03. Review status: criteria provided, single submitter. Criteria: Ambry Variant Classification Scheme 2023. Collection method: clinical testing. Allele origin: germline.

Women's Health and Genetics/Laboratory Corporation of America, LabCorp
Classification: Likely benign. Last evaluated: 2020-04-06. Review status: criteria provided, single submitter. Criteria: LabCorp Variant Classification Summary - May 2015. Collection method: clinical testing. Allele origin: germline.
Comment: Variant summary: JUP c.1619G>A (p.Arg540His) results in a non-conservative amino acid change located in one of the armadillo repeats (IPR000225) of the encoded protein sequence. Four of five in-silico tools predict a damaging effect of the variant on protein function. The variant allele was found at a frequency of 0.00011 in 234200 control chromosomes, predominantly at a frequency of 0.00073 within the Latino subpopulation in the gnomAD database. The observed variant frequency within Latino control individuals in the gnomAD database is approximately 30 fold of the estimated maximal expected allele frequency for a pathogenic variant in JUP causing Cardiomyopathy phenotype (2.5e-05), strongly suggesting that the variant is a benign polymorphism found primarily in populations of Latino origin. To our knowledge, no occurrence of c.1619G>A in individuals affected with Cardiomyopathy and no experimental evidence demonstrating its impact on protein function have been reported. No clinical diagnostic laboratories have submitted clinical-significance assessments for this variant to ClinVar after 2014. Based on the evidence outlined above, the variant was classified as likely benign.

NM_002230.4(JUP):c.1619G>A (p.Arg540His)

Gene: JUP (junction plakoglobin; minus strand). Cytogenetic location: 17q21.2.
Variant type: single nucleotide variant.
Coding change: c.1619G>A on transcript NM_002230.4 (MANE Select); coding-DNA position 1619, G replaced by A.
Protein change: p.Arg540His; replaces arginine 540 with histidine.
Molecular consequence: missense variant.
Genome position (GRCh38, 1-based): chr17:41,758,749, C>T on the plus strand (G>A on the coding strand, the complement: JUP is on the minus strand). VCF-style: chr17-41758749-C-T. GRCh37 (hg19) VCF-style: chr17-39915001-C-T.
Other names: c.1619G>A, p.Arg540His (NM_001352773.2, NM_001352774.2, NM_001352775.2 and 3 more transcripts); short protein forms R540H.
Identifiers: ClinVar variation 917779 (VCV000917779.9), dbSNP rs376881608, ClinGen allele CA8565181.